The following is an entry in ClinVar:

ClinVar aggregate classification (germline): Uncertain significance (1 of 4 stars; one submission).

gnomAD v4.1: 16 of 1,613,154 alleles (0.00099%); highest among the groups gnomAD compares: African/African-American, 0.02%; no homozygotes.

Submission:

Labcorp Genetics (formerly Invitae), Labcorp
Classification: Uncertain significance. Last evaluated: 2025-09-07. Review status: criteria provided, single submitter. Criteria: Invitae Variant Classification Sherloc (09022015). Collection method: clinical testing. Allele origin: germline.
Comment: This sequence change replaces aspartic acid, which is acidic and polar, with glutamic acid, which is acidic and polar, at codon 37 of the MRPS14 protein (p.Asp37Glu). This variant is present in population databases (no rsID available, gnomAD 0.007%). This variant has not been reported in the literature in individuals affected with MRPS14-related conditions. An algorithm developed to predict the effect of missense changes on protein structure and function (PolyPhen-2) suggests that this variant is likely to be disruptive. In summary, the available evidence is currently insufficient to determine the role of this variant in disease. Therefore, it has been classified as a Variant of Uncertain Significance.

NM_022100.3(MRPS14):c.111T>A (p.Asp37Glu)

Gene: MRPS14 (mitochondrial ribosomal protein S14; minus strand). Cytogenetic location: 1q25.1.
Variant type: single nucleotide variant.
Coding change: c.111T>A on transcript NM_022100.3 (MANE Select); coding-DNA position 111, T replaced by A.
Protein change: p.Asp37Glu; replaces aspartic acid 37 with glutamic acid.
Molecular consequence: missense variant. On other transcripts: non-coding transcript variant (1).
Genome position (GRCh38, 1-based): chr1:175,018,511, A>T on the plus strand (T>A on the coding strand, the complement: MRPS14 is on the minus strand). VCF-style: chr1-175018511-A-T. GRCh37 (hg19) VCF-style: chr1-174987647-A-T.
Other names: short protein forms D37E.
Identifiers: ClinVar variation 4702590 (VCV004702590.1).
Genomic context (GRCh38, chr1:175,018,511, plus strand): 5'-GAGTGAATTAATACGTAGCCTCTCATCTGCGTATTCATAGGCCATTTTTCGTCTCTTCAC[A>T]TCGCGCCACATTCTCCAGTCTACATAGTGACTTCGAACTTGGCCTGAAGCTGATGAAGGA-3'
Protein context (NP_071383.1, residues 27-47): SHYVDWRMWR[Asp37Glu]VKRRKMAYEY